The following is an entry in ClinVar:

ClinVar aggregate classification (germline): Uncertain significance. Review status: criteria provided, multiple submitters, no conflicts (2 of 4 stars). 2 submissions from 2 submitters: Uncertain significance (2). Last evaluated 2026-02-27.

Conditions:
ABCC8-related disorder.
Hyperinsulinemic hypoglycemia, familial, 1 (HHF1). Also called: Persistent hyperinsulinemic hypoglycemia of infancy; HYPERINSULINISM, FAMILIAL, WITH PANCREATIC NESIDIOBLASTOSIS; HYPOGLYCEMIA, HYPERINSULINEMIC, OF INFANCY; NESIDIOBLASTOSIS OF PANCREAS; Persistent Hyperinsulinemia Hypoglycemia of Infancy. Identifiers: Orphanet 276575, Orphanet 276598, MedGen C2931832, MONDO:0009734, OMIM 256450.

gnomAD v4.1: 2 of 1,614,206 alleles (0.00012%); highest among the groups gnomAD compares: South Asian, 0.0011%; no homozygotes.

Submissions (2):

Myriad Genetics, Inc.
Classification: Uncertain significance for Hyperinsulinemic hypoglycemia, familial, 1. Last evaluated: 2026-02-27. Review status: criteria provided, single submitter. Criteria: Myriad Autosomal Dominant, Autosomal Recessive and X-Linked Classification Criteria (2023). Collection method: clinical testing. Allele origin: unknown.
Comment: NM_000352.3(ABCC8):c.4089C>A(H1363Q) is a missense variant classified as a variant of uncertain significance in the context of familial hyperinsulinism, ABCC8-related. H1363Q has been observed in a case with relevant disease (PMID: 38963811). Relevant functional assessments of this variant are not available in the literature. H1363Q has been observed in referenced population frequency databases. In summary, there is insufficient evidence to classify NM_000352.3(ABCC8):c.4089C>A(H1363Q) as pathogenic or benign. Please note: this variant was assessed in the context of healthy population screening.

PreventionGenetics, part of Exact Sciences
Classification: Uncertain significance for ABCC8-related condition. Last evaluated: 2025-04-23. Review status: criteria provided, single submitter. Criteria: ACMG Guidelines, 2015. Collection method: clinical testing. Allele origin: germline.
Comment: The ABCC8 c.4089C>A variant is predicted to result in the amino acid substitution p.His1363Gln. This variant has been reported in an individual with clinical features consistent with congenital hyperinsulinism (CHI) (Velde et al. 2025. PubMed ID: 38963811). This variant is reported in 0.0033% of alleles in individuals of South Asian descent in gnomAD. A missense variant resulting in the same amino acid change, c.4089C>G (p.His1363Gln) (referred to as c.4092C>G; p.His1364Gln), has been reported in an individual with focal CHI (Bellanné-Chantelot et al. 2010. PubMed ID: 20685672). At this time, the clinical significance of this variant is uncertain due to the absence of conclusive functional and genetic evidence.

Literature cited by the submitters: PubMed 38963811 (cited by Myriad Genetics, Inc.).

NM_000352.6(ABCC8):c.4089C>A (p.His1363Gln)

Gene: ABCC8 (ATP binding cassette subfamily C member 8; minus strand). Cytogenetic location: 11p15.1.
Variant type: single nucleotide variant.
Coding change: c.4089C>A on transcript NM_000352.6 (MANE Select); coding-DNA position 4089, C replaced by A.
Protein change: p.His1363Gln; replaces histidine 1363 with glutamine.
Molecular consequence: missense variant. On other transcripts: non-coding transcript variant (1).
Genome position (GRCh38, 1-based): chr11:17,396,946, G>T on the plus strand (C>A on the coding strand, the complement: ABCC8 is on the minus strand). VCF-style: chr11-17396946-G-T. GRCh37 (hg19) VCF-style: chr11-17418493-G-T.
Other names: c.4092C>A, p.His1364Gln (NM_001287174.3); c.4155C>A, p.His1385Gln (NM_001351295.2); c.4089C>A, p.His1363Gln (NM_001351296.2); c.4086C>A, p.His1362Gln (NM_001351297.2); short protein forms H1364Q, H1362Q, H1385Q, H1363Q.
Identifiers: ClinVar variation 4986974 (VCV004986974.1).